The following is an entry in ClinVar:

ClinVar aggregate classification (germline): Uncertain significance (1 of 4 stars; one submission).

Submission:

Dasa
Classification: Uncertain significance. Last evaluated: 2025-04-23. Review status: criteria provided, single submitter. Criteria: DASA Assertion Criteria. Collection method: clinical testing. Allele origin: germline.
Comment: NM_018896.5(CACNA1G):c.2279T>A (p.Met760Lys) is a missense variant that results in the substitution of methionine with lysine. This variant is absent from population databases. Computational prediction algorithms are consistent with a deleterious effect. The currently available literature and clinical evidence are not sufficient to establish a definitive association between this variant and the reported condition. Therefore, this variant is classified as a variant of uncertain significance.

NM_018896.5(CACNA1G):c.2279T>A (p.Met760Lys)

Gene: CACNA1G (calcium voltage-gated channel subunit alpha1 G; plus strand). Cytogenetic location: 17q21.33.
Variant type: single nucleotide variant.
Coding change: c.2279T>A on transcript NM_018896.5 (MANE Select); coding-DNA position 2279, T replaced by A.
Protein change: p.Met760Lys; replaces methionine 760 with lysine.
Molecular consequence: missense variant. On other transcripts: non-coding transcript variant (5).
Genome position (GRCh38, 1-based): chr17:50,578,542, T>A. VCF-style: chr17-50578542-T-A. GRCh37 (hg19) VCF-style: chr17-48655903-T-A.
Other names: c.2279T>A, p.Met760Lys (NM_001256324.2, NM_001256325.2, NM_001256326.2 and 24 more transcripts); short protein forms M760K.
Identifiers: ClinVar variation 4883480 (VCV004883480.2).
Genomic context (GRCh38, chr17:50,578,542, plus strand): 5'-TGGACAGCAAGTACTTTGGCCGGGGAATCATGATCGCCATCCTGGTCAACACACTCAGCA[T>A]GGGCATCGAATACCACGAGCAGGTAGGAGAGTGGGCAGAGGCAGGGCTCCTGCCAGCTGC-3'
Protein context (NP_061496.2, residues 750-770): MIAILVNTLS[Met760Lys]GIEYHEQPEE